The following is an entry in ClinVar:

NM_004984.4(KIF5A):c.2910-3C>G

Gene: KIF5A (kinesin family member 5A; plus strand). Cytogenetic location: 12q13.3.
Variant type: single nucleotide variant.
Coding change: c.2910-3C>G on transcript NM_004984.4 (MANE Select); 3 bases into the intron before coding-DNA position 2910, C replaced by G.
Molecular consequence: intron variant.
Genome position (GRCh38, 1-based): chr12:57,581,867, C>G. VCF-style: chr12-57581867-C-G. GRCh37 (hg19) VCF-style: chr12-57975650-C-G.
Other names: c.2643-3C>G (NM_001354705.2).
Identifiers: ClinVar variation 2750935 (VCV002750935.3), dbSNP rs1489080361, ClinGen allele CA2697559308.

ClinVar aggregate classification (germline): Uncertain significance (1 of 4 stars; one submission).

Conditions:
Spastic paraplegia. Identifiers: MedGen C0037772, HP:0001258.

Submission:

Labcorp Genetics (formerly Invitae), Labcorp
Classification: Uncertain significance for Spastic paraplegia. Last evaluated: 2023-08-07. Review status: criteria provided, single submitter. Criteria: Invitae Variant Classification Sherloc (09022015). Collection method: clinical testing. Allele origin: germline.
Comment: In summary, the available evidence is currently insufficient to determine the role of this variant in disease. Therefore, it has been classified as a Variant of Uncertain Significance. Variants that disrupt the consensus splice site are a relatively common cause of aberrant splicing (PMID: 17576681, 9536098). Algorithms developed to predict the effect of sequence changes on RNA splicing suggest that this variant may disrupt the consensus splice site. This variant has not been reported in the literature in individuals affected with KIF5A-related conditions. This variant is not present in population databases (gnomAD no frequency). This sequence change falls in intron 25 of the KIF5A gene. It does not directly change the encoded amino acid sequence of the KIF5A protein. It affects a nucleotide within the consensus splice site.

Literature cited by the submitters: PubMed 17576681; PubMed 9536098.